The following is an entry in ClinVar:

NC_000017.10:g.(?_29556833)_(29701173_?)del

Genes: EVI2A (ecotropic viral integration site 2A; minus strand), EVI2B (ecotropic viral integration site 2B; minus strand), NF1 (neurofibromin 1; plus strand), OMG (oligodendrocyte myelin glycoprotein; minus strand). Cytogenetic location: 17q11.2.
Variant type: Deletion.
Identifiers: ClinVar variation 2422719 (VCV002422719.3).

ClinVar aggregate classification (germline): Pathogenic (1 of 4 stars; one submission).

Conditions:
Neurofibromatosis, type 1 (NF1). Also called: Peripheral type neurofibromatosis; VON RECKLINGHAUSEN DISEASE; NEUROFIBROMATOSIS, TYPE I, SOMATIC; Neurofibromatosis, type I. Identifiers: Orphanet 636, MedGen C0027831, MONDO:0018975, OMIM 162200. Disease mechanism: loss of function.

Submission:

Labcorp Genetics (formerly Invitae), Labcorp
Classification: Pathogenic for Neurofibromatosis, type 1. Last evaluated: 2022-10-19. Review status: criteria provided, single submitter. Criteria: Invitae Variant Classification Sherloc (09022015). Collection method: clinical testing. Allele origin: germline.
Comment: For these reasons, this variant has been classified as Pathogenic. This variant disrupts a region of the NF1 protein in which other variant(s) (p.Ala2716Asp) have been determined to be pathogenic (Invitae). This suggests that this is a clinically significant region of the protein, and that variants that disrupt it are likely to be disease-causing. This variant has not been reported in the literature in individuals affected with NF1-related conditions. This variant is a gross deletion of the genomic region encompassing exon(s) 22-57 of the NF1 gene, which includes the termination codon. This deletion extends beyond the assayed region for this gene and therefore may encompass additional genes. While this deletion is not anticipated to lead to nonsense mediated decay, it is expected to alter mRNA translation or result in a truncated protein product.